The following is an entry in ClinVar:

ClinVar aggregate classification (germline): Uncertain significance. Review status: criteria provided, multiple submitters, no conflicts (2 of 4 stars). 2 submissions from 2 submitters: Uncertain significance (2). Last evaluated 2025-06-12.

Conditions:
Inborn genetic diseases. Identifiers: MedGen C0950123, MeSH D030342.

Allele frequency attached by ClinVar (database versions not stated): gnomAD 0.00005; TOPMed 0.00005.
gnomAD v4.1: 80 of 1,613,462 alleles (0.005%); highest among the groups gnomAD compares: Non-Finnish European, 0.0056%; no homozygotes.

Submissions (2):

Ambry Genetics
Classification: Uncertain significance for Inborn genetic diseases. Last evaluated: 2025-06-12. Review status: criteria provided, single submitter. Criteria: Ambry Variant Classification Scheme 2023. Collection method: clinical testing. Allele origin: germline.

Labcorp Genetics (formerly Invitae), Labcorp
Classification: Uncertain significance. Last evaluated: 2022-10-24. Review status: criteria provided, single submitter. Criteria: Invitae Variant Classification Sherloc (09022015). Collection method: clinical testing. Allele origin: germline.
Comment: This sequence change replaces proline, which is neutral and non-polar, with leucine, which is neutral and non-polar, at codon 376 of the LAMC3 protein (p.Pro376Leu). This variant is present in population databases (rs769132268, gnomAD 0.004%). This variant has not been reported in the literature in individuals affected with LAMC3-related conditions. ClinVar contains an entry for this variant (Variation ID: 1404578). Algorithms developed to predict the effect of missense changes on protein structure and function output the following: SIFT: "Tolerated"; PolyPhen-2: "Benign"; Align-GVGD: "Class C0". The leucine amino acid residue is found in multiple mammalian species, which suggests that this missense change does not adversely affect protein function. In summary, the available evidence is currently insufficient to determine the role of this variant in disease. Therefore, it has been classified as a Variant of Uncertain Significance.

NM_006059.4(LAMC3):c.1127C>T (p.Pro376Leu)

Gene: LAMC3 (laminin subunit gamma 3; plus strand). Cytogenetic location: 9q34.12.
Variant type: single nucleotide variant.
Coding change: c.1127C>T on transcript NM_006059.4 (MANE Select); coding-DNA position 1127, C replaced by T.
Protein change: p.Pro376Leu; replaces proline 376 with leucine.
Molecular consequence: missense variant.
Genome position (GRCh38, 1-based): chr9:131,039,014, C>T. VCF-style: chr9-131039014-C-T. GRCh37 (hg19) VCF-style: chr9-133914401-C-T.
Other names: c.1127C>T (NM_006059.3); short protein forms P376L.
Identifiers: ClinVar variation 1404578 (VCV001404578.4), dbSNP rs769132268, ClinGen allele CA5286947.